The following is an entry in ClinVar:

NM_130837.3(OPA1):c.1150-2A>G

Gene: OPA1 (OPA1 mitochondrial dynamin like GTPase; plus strand). Cytogenetic location: 3q29.
Variant type: single nucleotide variant.
Coding change: c.1150-2A>G on transcript NM_130837.3 (MANE Select); the canonical splice acceptor site of the intron before coding-DNA position 1150, A replaced by G.
Molecular consequence: splice acceptor variant.
Genome position (GRCh38, 1-based): chr3:193,642,763, A>G. VCF-style: chr3-193642763-A-G. GRCh37 (hg19) VCF-style: chr3-193360552-A-G.
Other names: c.613-2A>G (NM_001354664.2); c.616-2A>G (NM_001354663.2); c.1039-2A>G (NM_130834.3); c.1096-2A>G (NM_130836.3); c.985-2A>G (NM_015560.3); c.1042-2A>G (NM_130835.3); c.931-2A>G (NM_130832.3); c.988-2A>G (NM_130833.3); and 1 more.
Identifiers: ClinVar variation 280005 (VCV000280005.14), dbSNP rs886041317, ClinGen allele CA10602898.

ClinVar aggregate classification (germline): Pathogenic. Review status: criteria provided, multiple submitters, no conflicts (2 of 4 stars). 4 submissions from 4 submitters: Pathogenic (4). Last evaluated 2025-09-16.

Allele frequency attached by ClinVar (database versions not stated): gnomAD 0.00001; TOPMed 0.00001.

Submissions (4):

Labcorp Genetics (formerly Invitae), Labcorp
Classification: Pathogenic. Last evaluated: 2025-09-16. Review status: criteria provided, single submitter. Criteria: Invitae Variant Classification Sherloc (09022015). Collection method: clinical testing. Allele origin: germline.
Comment: This sequence change affects an acceptor splice site in intron 9 of the OPA1 gene. RNA analysis indicates that disruption of this splice site induces altered splicing and likely results in a shortened protein product. This variant is not present in population databases (gnomAD no frequency). Disruption of this splice site has been observed in individuals with autosomal dominant optic atrophy (PMID: 19112530, 22197506). It has also been observed to segregate with disease in related individuals. ClinVar contains an entry for this variant (Variation ID: 280005). Studies have shown that disruption of this splice site results in skipping of exon 10, but is expected to preserve the integrity of the reading-frame (PMID: 19112530, 22197506). For these reasons, this variant has been classified as Pathogenic.

Athena Diagnostics
Classification: Pathogenic. Last evaluated: 2024-02-12. Review status: criteria provided, single submitter. Criteria: Athena Diagnostics Criteria. Collection method: clinical testing. Allele origin: unknown.
Comment: This variant is expected to severely impact normal RNA splicing, and consequently, protein structure and/or function. The frequency of this variant in the general population is consistent with pathogenicity. This variant associates with disease in multiple families with optic atrophy. Assessment of experimental evidence suggests this variant results in abnormal RNA splicing.

GeneDx
Classification: Pathogenic. Last evaluated: 2023-09-21. Review status: criteria provided, single submitter. Criteria: GeneDx Variant Classification Process June 2021. Collection method: clinical testing. Allele origin: germline. Affected: yes.
Comment: Published functional studies demonstrate that this variant results in exon skipping resulting in the loss of 27 amino acids (Li et al., 2008); Canonical splice site variant predicted to result in an in-frame loss of the adjacent exon in a gene for which loss of function is a known mechanism of disease; Not observed at significant frequency in large population cohorts (gnomAD); This variant is associated with the following publications: (PMID: 25205859, 25525159, 19112530, 22197506)

Eurofins Ntd Llc (ga)
Classification: Pathogenic. Last evaluated: 2016-08-17. Review status: criteria provided, single submitter. Criteria: EGL Classification Definitions 2015. Collection method: clinical testing. Allele origin: germline. Observed: 2 variant alleles, 2 heterozygotes.

Literature cited by the submitters: PubMed 19112530 (cited by 3 submitters); PubMed 22197506 (cited by 3 submitters).